The following is an entry in ClinVar:

ClinVar aggregate classification (germline): Uncertain significance (1 of 4 stars; one submission).

Conditions:
Neuropathy, hereditary sensory and autonomic, type 2A (HSAN2A). Also called: ACROOSTEOLYSIS, GIACCAI TYPE; ACROOSTEOLYSIS, NEUROGENIC; MORVAN DISEASE; NEUROPATHY, CONGENITAL SENSORY; NEUROPATHY, HEREDITARY SENSORY RADICULAR, AUTOSOMAL RECESSIVE; NEUROPATHY, HEREDITARY SENSORY, TYPE IIA. Identifiers: Orphanet 970, MedGen C2752089, MONDO:0024309, OMIM 201300.
Generalized epilepsy with febrile seizures plus, type 7 (GEFSP7). Also called: GEFS+, TYPE 7. Identifiers: Orphanet 36387, MedGen C2751778, MONDO:0013470, OMIM 613863.

Submission:

Labcorp Genetics (formerly Invitae), Labcorp
Classification: Uncertain significance for Neuropathy, hereditary sensory and autonomic, type 2A; Generalized epilepsy with febrile seizures plus, type 7. Last evaluated: 2025-06-20. Review status: criteria provided, single submitter. Criteria: Invitae Variant Classification Sherloc (09022015). Collection method: clinical testing. Allele origin: germline.
Comment: This sequence change replaces isoleucine, which is neutral and non-polar, with asparagine, which is neutral and polar, at codon 1225 of the SCN9A protein (p.Ile1225Asn). This variant is not present in population databases (gnomAD no frequency). This variant has not been reported in the literature in individuals affected with SCN9A-related conditions. Invitae Evidence Modeling of protein sequence and biophysical properties (such as structural, functional, and spatial information, amino acid conservation, physicochemical variation, residue mobility, and thermodynamic stability) has been performed for this missense variant. However, the output from this modeling did not meet the statistical confidence thresholds required to predict the impact of this variant on SCN9A protein function. In summary, the available evidence is currently insufficient to determine the role of this variant in disease. Therefore, it has been classified as a Variant of Uncertain Significance.

NM_001365536.1(SCN9A):c.3707T>A (p.Ile1236Asn)

Genes: SCN9A (sodium voltage-gated channel alpha subunit 9; minus strand), SCN1A-AS1 (SCN1A and SCN9A antisense RNA 1; plus strand). Cytogenetic location: 2q24.3.
Variant type: single nucleotide variant.
Coding change: c.3707T>A on transcript NM_001365536.1 (MANE Select); coding-DNA position 3707, T replaced by A.
Protein change: p.Ile1236Asn; replaces isoleucine 1236 with asparagine.
Molecular consequence: missense variant.
Genome position (GRCh38, 1-based): chr2:166,238,188, A>T on the plus strand (T>A on the coding strand, the complement: SCN9A is on the minus strand). VCF-style: chr2-166238188-A-T. GRCh37 (hg19) VCF-style: chr2-167094698-A-T.
Other names: c.3674T>A, p.Ile1225Asn (NM_002977.4); short protein forms I1236N, I1225N.
Identifiers: ClinVar variation 4788320 (VCV004788320.1).